The following is an entry in ClinVar:

NM_001408.3(CELSR2):c.3341C>T (p.Ala1114Val)

Gene: CELSR2 (cadherin EGF LAG seven-pass G-type receptor 2; plus strand). Cytogenetic location: 1p13.3.
Variant type: single nucleotide variant.
Coding change: c.3341C>T on transcript NM_001408.3 (MANE Select); coding-DNA position 3341, C replaced by T.
Protein change: p.Ala1114Val; replaces alanine 1114 with valine.
Molecular consequence: missense variant.
Genome position (GRCh38, 1-based): chr1:109,258,462, C>T. VCF-style: chr1-109258462-C-T. GRCh37 (hg19) VCF-style: chr1-109801084-C-T.
Other names: c.3341C>T (NM_001408.2); short protein forms A1114V.
Identifiers: ClinVar variation 1911350 (VCV001911350.6), dbSNP rs776015230, ClinGen allele CA986930.
Genomic context (GRCh38, chr1:109,258,462, plus strand): 5'-GCTGGGTCCTGACTGTGTCCCTCTCCACAGACGGCGTACACAGCGTGACCGCCCAGTGCG[C>T]GCTGCGTGTGACCATCATCACCGATGAGATGCTCACCCACAGCATCACGCTGCGCCTGGA-3'
Protein context (NP_001399.1, residues 1104-1124): DGVHSVTAQC[Ala1114Val]LRVTIITDEM

ClinVar aggregate classification (germline): Uncertain significance. Review status: criteria provided, multiple submitters, no conflicts (2 of 4 stars). 2 submissions from 2 submitters: Uncertain significance (2). Last evaluated 2025-05-19.

Allele frequency attached by ClinVar (database versions not stated): ExAC 0.00003; gnomAD 0.00003; gnomAD exomes 0.00006; TOPMed 0.00006.

Submissions (2):

Labcorp Genetics (formerly Invitae), Labcorp
Classification: Uncertain significance. Last evaluated: 2025-05-19. Review status: criteria provided, single submitter. Criteria: Invitae Variant Classification Sherloc (09022015). Collection method: clinical testing. Allele origin: germline.
Comment: This sequence change replaces alanine, which is neutral and non-polar, with valine, which is neutral and non-polar, at codon 1114 of the CELSR2 protein (p.Ala1114Val). This variant is present in population databases (rs776015230, gnomAD 0.006%). This variant has not been reported in the literature in individuals affected with CELSR2-related conditions. ClinVar contains an entry for this variant (Variation ID: 1911350). Invitae Evidence Modeling of protein sequence and biophysical properties (such as structural, functional, and spatial information, amino acid conservation, physicochemical variation, residue mobility, and thermodynamic stability) indicates that this missense variant is not expected to disrupt CELSR2 protein function with a negative predictive value of 80%. In summary, the available evidence is currently insufficient to determine the role of this variant in disease. Therefore, it has been classified as a Variant of Uncertain Significance.

Ambry Genetics
Classification: Uncertain significance. Last evaluated: 2023-12-19. Review status: criteria provided, single submitter. Criteria: Ambry Variant Classification Scheme 2023. Collection method: clinical testing. Allele origin: germline.